The following is an entry in ClinVar:

NM_001127671.2(LIFR):c.470G>A (p.Trp157Ter)

Gene: LIFR (LIF receptor subunit alpha; minus strand). Cytogenetic location: 5p13.1.
Variant type: single nucleotide variant.
Coding change: c.470G>A on transcript NM_001127671.2 (MANE Select); coding-DNA position 470, G replaced by A.
Protein change: p.Trp157Ter; replaces tryptophan 157 with a stop codon.
Molecular consequence: nonsense.
Genome position (GRCh38, 1-based): chr5:38,523,510, C>T on the plus strand (G>A on the coding strand, the complement: LIFR is on the minus strand). VCF-style: chr5-38523510-C-T. GRCh37 (hg19) VCF-style: chr5-38523612-C-T.
Other names: c.470G>A, p.Trp157Ter (NM_001364297.2, NM_001364298.2, NM_002310.6); short protein forms W157*.
Identifiers: ClinVar variation 2835177 (VCV002835177.3), dbSNP rs2531116819, ClinGen allele CA359615386.

ClinVar aggregate classification (germline): Pathogenic (1 of 4 stars; one submission).

Submission:

Labcorp Genetics (formerly Invitae), Labcorp
Classification: Pathogenic. Last evaluated: 2023-02-07. Review status: criteria provided, single submitter. Criteria: Invitae Variant Classification Sherloc (09022015). Collection method: clinical testing. Allele origin: germline.
Comment: For these reasons, this variant has been classified as Pathogenic. This variant has not been reported in the literature in individuals affected with LIFR-related conditions. This variant is not present in population databases (gnomAD no frequency). This sequence change creates a premature translational stop signal (p.Trp157*) in the LIFR gene. It is expected to result in an absent or disrupted protein product. Loss-of-function variants in LIFR are known to be pathogenic (PMID: 14740318).

Literature cited by the submitters: PubMed 14740318.